The following is an entry in ClinVar:

ClinVar aggregate classification (germline): Uncertain significance (1 of 4 stars; one submission).

Submission:

Labcorp Genetics (formerly Invitae), Labcorp
Classification: Uncertain significance. Last evaluated: 2025-03-31. Review status: criteria provided, single submitter. Criteria: Invitae Variant Classification Sherloc (09022015). Collection method: clinical testing. Allele origin: germline.
Comment: This sequence change replaces threonine, which is neutral and polar, with serine, which is neutral and polar, at codon 241 of the CNNM2 protein (p.Thr241Ser). This variant is not present in population databases (gnomAD no frequency). This variant has not been reported in the literature in individuals affected with CNNM2-related conditions. An algorithm developed to predict the effect of missense changes on protein structure and function (PolyPhen-2) suggests that this variant is likely to be tolerated. In summary, the available evidence is currently insufficient to determine the role of this variant in disease. Therefore, it has been classified as a Variant of Uncertain Significance.

NM_017649.5(CNNM2):c.721A>T (p.Thr241Ser)

Gene: CNNM2 (cyclin and CBS domain divalent metal cation transport mediator 2; plus strand). Cytogenetic location: 10q24.32.
Variant type: single nucleotide variant.
Coding change: c.721A>T on transcript NM_017649.5 (MANE Select); coding-DNA position 721, A replaced by T.
Protein change: p.Thr241Ser; replaces threonine 241 with serine.
Molecular consequence: missense variant.
Genome position (GRCh38, 1-based): chr10:102,919,201, A>T. VCF-style: chr10-102919201-A-T. GRCh37 (hg19) VCF-style: chr10-104678958-A-T.
Other names: c.721A>T, p.Thr241Ser (NM_199076.3, NM_199077.3); short protein forms T241S.
Identifiers: ClinVar variation 4812068 (VCV004812068.1).